The following is an entry in ClinVar:

ClinVar aggregate classification (germline): Uncertain significance (1 of 4 stars; one submission).

Conditions:
Peroxisome biogenesis disorder 9B. Also called: PEX7-Related Refsum Disease; Refsum disease, adult, 2; PEROXISOME BIOGENESIS DISORDER, PEX7-RELATED, ATYPICAL. Identifiers: Orphanet 773, MedGen C2749346, MONDO:0013945, OMIM 614879.

gnomAD v4.1: 15 of 1,344,426 alleles (0.0011%); highest among the groups gnomAD compares: Non-Finnish European, 0.0014%; no homozygotes.

Submission:

Labcorp Genetics (formerly Invitae), Labcorp
Classification: Uncertain significance for Peroxisome biogenesis disorder 9B. Last evaluated: 2023-08-04. Review status: criteria provided, single submitter. Criteria: Invitae Variant Classification Sherloc (09022015). Collection method: clinical testing. Allele origin: germline.
Comment: An algorithm developed to predict the effect of missense changes on protein structure and function (PolyPhen-2) suggests that this variant is likely to be disruptive. ClinVar contains an entry for this variant (Variation ID: 1949645). This sequence change replaces glycine, which is neutral and non-polar, with cysteine, which is neutral and slightly polar, at codon 41 of the PEX7 protein (p.Gly41Cys). This variant is present in population databases (no rsID available, gnomAD 0.07%). This variant has not been reported in the literature in individuals affected with PEX7-related conditions. In summary, the available evidence is currently insufficient to determine the role of this variant in disease. Therefore, it has been classified as a Variant of Uncertain Significance.

NM_000288.4(PEX7):c.121G>T (p.Gly41Cys)

Gene: PEX7 (peroxisomal biogenesis factor 7; plus strand). Cytogenetic location: 6q23.3.
Variant type: single nucleotide variant.
Coding change: c.121G>T on transcript NM_000288.4 (MANE Select); coding-DNA position 121, G replaced by T.
Protein change: p.Gly41Cys; replaces glycine 41 with cysteine.
Molecular consequence: missense variant.
Genome position (GRCh38, 1-based): chr6:136,822,786, G>T. VCF-style: chr6-136822786-G-T. GRCh37 (hg19) VCF-style: chr6-137143924-G-T.
Other names: short protein forms G41C.
Identifiers: ClinVar variation 1949645 (VCV001949645.5), dbSNP rs1210968366, ClinGen allele CA365855446.